The following is an entry in ClinVar:

ClinVar aggregate classification (germline): Conflicting classifications of pathogenicity. Review status: criteria provided, conflicting classifications (1 of 4 stars). 3 submissions from 3 submitters: Uncertain significance (2); Likely benign (1). Last evaluated 2025-05-05.

Conditions:
Gorlin syndrome. Also called: Nevoid Basal Cell Carcinoma Syndrome; Basal cell nevus syndrome. Identifiers: Orphanet 377, MedGen C0004779, MONDO:0007187.
Hereditary cancer-predisposing syndrome. Also called: Neoplastic Syndromes, Hereditary; Hereditary neoplastic syndrome; Tumor predisposition; Hereditary Cancer Syndrome. Identifiers: Orphanet 140162, MedGen C0027672, MeSH D009386, MONDO:0015356.

Allele frequency attached by ClinVar (database versions not stated): gnomAD exomes below 0.00001.

Submissions (3):

Labcorp Genetics (formerly Invitae), Labcorp
Classification: Likely benign for Gorlin syndrome. Last evaluated: 2025-05-05. Review status: criteria provided, single submitter. Criteria: Invitae Variant Classification Sherloc (09022015). Collection method: clinical testing. Allele origin: germline.

GeneDx
Classification: Uncertain significance. Last evaluated: 2023-10-22. Review status: criteria provided, single submitter. Criteria: GeneDx Variant Classification Process June 2021. Collection method: clinical testing. Allele origin: germline. Affected: yes.
Comment: Not observed at significant frequency in large population cohorts (gnomAD); Has not been previously published as pathogenic or benign to our knowledge; In silico analysis suggests this variant may impact gene splicing. In the absence of RNA/functional studies, the actual effect of this sequence change is unknown

Ambry Genetics
Classification: Uncertain significance for Hereditary cancer-predisposing syndrome. Last evaluated: 2023-03-20. Review status: criteria provided, single submitter. Criteria: Ambry Variant Classification Scheme 2023. Collection method: clinical testing. Allele origin: germline.
Comment: The c.2772G>A variant (also known as p.T924T), located in coding exon 17 of the PTCH1 gene, results from a G to A substitution at nucleotide position 2772. This nucleotide substitution does not change the threonine at codon 924. This nucleotide position is poorly conserved in available vertebrate species. In silico splice site analysis predicts that this alteration will result in the creation or strengthening of a novel splice acceptor site. RNA studies have demonstrated that this alteration results in an incomplete splice defect; the clinical impact of this abnormal splicing is unknown at this time (Ambry internal data). Since supporting evidence is limited at this time, the clinical significance of this alteration remains unclear.

NM_000264.5(PTCH1):c.2772G>A (p.Thr924=)

Gene: PTCH1 (patched 1; minus strand). Cytogenetic location: 9q22.32.
Variant type: single nucleotide variant.
Coding change: c.2772G>A on transcript NM_000264.5 (MANE Select); coding-DNA position 2772, G replaced by A.
Protein change: p.Thr924=; no amino-acid change (threonine 924 retained).
Molecular consequence: synonymous variant. On other transcripts: non-coding transcript variant (1).
Genome position (GRCh38, 1-based): chr9:95,459,715, C>T on the plus strand (G>A on the coding strand, the complement: PTCH1 is on the minus strand). VCF-style: chr9-95459715-C-T. GRCh37 (hg19) VCF-style: chr9-98221997-C-T.
Other names: c.2319G>A, p.Thr773= (NM_001083607.3, NM_001083604.3, NM_001083605.3 and 1 more transcripts); c.2616G>A, p.Thr872= (NM_001354918.2); c.2574G>A, p.Thr858= (NM_001083602.3); c.2769G>A, p.Thr923= (NM_001083603.3).
Identifiers: ClinVar variation 841980 (VCV000841980.14), dbSNP rs1554691694, ClinGen allele CA466111778.